The following is an entry in ClinVar:

ClinVar aggregate classification (germline): Benign/Likely benign. Review status: criteria provided, multiple submitters, no conflicts (2 of 4 stars). 2 submissions from 2 submitters: Benign (1); Likely benign (1). Last evaluated 2025-08-11.

Allele frequency attached by ClinVar (database versions not stated): gnomAD exomes 0.00002; ExAC 0.00007; ESP Exome Variant Server 0.00008; TOPMed 0.00011; gnomAD 0.00013; 1000 Genomes Project 0.00060; 1000 Genomes Project 30x 0.00062.
gnomAD v4.1: 55 of 1,613,570 alleles (0.0034%); highest among the groups gnomAD compares: African/African-American, 0.059%; 1 homozygote.

Submissions (2):

Labcorp Genetics (formerly Invitae), Labcorp
Classification: Benign. Last evaluated: 2025-08-11. Review status: criteria provided, single submitter. Criteria: Invitae Variant Classification Sherloc (09022015). Collection method: clinical testing. Allele origin: germline.

CeGaT Center for Human Genetics Tuebingen
Classification: Likely benign. Last evaluated: 2025-03-01. Review status: criteria provided, single submitter. Criteria: CeGaT Center For Human Genetics Tuebingen Variant Classification Criteria Version 2. Collection method: clinical testing. Allele origin: germline. Affected: yes. Observed: 1 variant allele.
Comment: KMT2B: BP4, BP7

NM_014727.3(KMT2B):c.5046C>T (p.Cys1682=)

Gene: KMT2B (lysine methyltransferase 2B; plus strand). Cytogenetic location: 19q13.12.
Variant type: single nucleotide variant.
Coding change: c.5046C>T on transcript NM_014727.3 (MANE Select); coding-DNA position 5046, C replaced by T.
Protein change: p.Cys1682=; no amino-acid change (cysteine 1682 retained).
Molecular consequence: synonymous variant.
Genome position (GRCh38, 1-based): chr19:35,730,095, C>T. VCF-style: chr19-35730095-C-T. GRCh37 (hg19) VCF-style: chr19-36220996-C-T.
Identifiers: ClinVar variation 2192606 (VCV002192606.11), dbSNP rs139082238, ClinGen allele CA9385275.